The following is an entry in ClinVar:

ClinVar aggregate classification (germline): Pathogenic (1 of 4 stars; one submission).

Conditions:
Episodic ataxia type 2 (EA2). Also called: ACETAZOLAMIDE-RESPONSIVE HEREDITARY PAROXYSMAL CEREBELLAR ATAXIA; CEREBELLAR ATAXIA, PAROXYSMAL, ACETAZOLAMIDE-RESPONSIVE; CEREBELLOPATHY, HEREDITARY PAROXYSMAL; EPISODIC ATAXIA, NYSTAGMUS-ASSOCIATED; ATAXIA, EPISODIC, WITH NYSTAGMUS; ATAXIA, FAMILIAL PAROXYSMAL. Identifiers: Orphanet 97, MedGen C1720416, MONDO:0007163, OMIM 108500.
Developmental and epileptic encephalopathy, 42 (DEE42A). Also called: DEVELOPMENTAL AND EPILEPTIC ENCEPHALOPATHY 42A; EPILEPTIC ENCEPHALOPATHY, EARLY INFANTILE, 42A; Epileptic encephalopathy, early infantile, 42. Identifiers: MedGen C4310716, MONDO:0014917, OMIM 617106.

Submission:

Labcorp Genetics (formerly Invitae), Labcorp
Classification: Pathogenic for Developmental and epileptic encephalopathy, 42; Episodic ataxia type 2. Last evaluated: 2022-09-06. Review status: criteria provided, single submitter. Criteria: Invitae Variant Classification Sherloc (09022015). Collection method: clinical testing. Allele origin: germline.
Comment: For these reasons, this variant has been classified as Pathogenic. A similar copy number variant has been observed in individuals with episodic ataxia (PMID: 19586927, 19633872). It has also been observed to segregate with disease in related individuals. This variant is a gross deletion of the genomic region encompassing exon(s) 6 of the CACNA1A gene. This deletion is out-of-frame, and is expected to create a premature termination codon and result in an absent or disrupted protein product. Loss-of-function variants in CACNA1A are known to be pathogenic (PMID: 10371528, 19486177, 25735478, 27250579).

Literature cited by the submitters: PubMed 19586927; PubMed 19633872; PubMed 10371528; PubMed 19486177; PubMed 25735478; PubMed 27250579.

NC_000019.10:g.(?_13359586)_(13359819_?)del

Gene: CACNA1A (calcium voltage-gated channel subunit alpha1 A; minus strand). Cytogenetic location: 19p13.13.
Variant type: Deletion.
Identifiers: ClinVar variation 583770 (VCV000583770.11).